The following is an entry in ClinVar:

ClinVar aggregate classification (germline): Uncertain significance. Review status: criteria provided, multiple submitters, no conflicts (2 of 4 stars). 2 submissions from 2 submitters: Uncertain significance (2). Last evaluated 2025-05-19.

Submissions (2):

GeneDx
Classification: Uncertain significance. Last evaluated: 2025-05-19. Review status: criteria provided, single submitter. Criteria: GeneDx Variant Classification Process June 2021. Collection method: clinical testing. Allele origin: germline. Affected: yes.
Comment: Not observed at significant frequency in large population cohorts (gnomAD); In silico analysis suggests that this variant does not alter splicing; Has not been previously published as pathogenic or benign to our knowledge; Reported using an alternate transcript of the gene

Labcorp Genetics (formerly Invitae), Labcorp
Classification: Uncertain significance. Last evaluated: 2025-03-30. Review status: criteria provided, single submitter. Criteria: Invitae Variant Classification Sherloc (09022015). Collection method: clinical testing. Allele origin: germline.
Comment: The OPA1 gene has multiple clinically relevant transcripts. This variant occurs in alternate transcript NM_130837.2, and corresponds to NM_015560.2:c.625-5448G>T in the primary transcript. This sequence change replaces glycine, which is neutral and non-polar, with cysteine, which is neutral and slightly polar, at codon 251 of the OPA1 protein (p.Gly251Cys). This variant is not present in population databases (gnomAD no frequency). This variant has not been reported in the literature in individuals affected with OPA1-related conditions. Experimental studies and prediction algorithms are not available or were not evaluated, and the functional significance of this variant is currently unknown. Algorithms developed to predict the effect of sequence changes on RNA splicing suggest that this variant is not likely to affect RNA splicing. In summary, the available evidence is currently insufficient to determine the role of this variant in disease. Therefore, it has been classified as a Variant of Uncertain Significance.

NM_130837.3(OPA1):c.751G>T (p.Gly251Cys)

Genes: OPA1 (OPA1 mitochondrial dynamin like GTPase; plus strand), OPA1-AS1 (OPA1 antisense RNA 1; minus strand). Cytogenetic location: 3q29.
Variant type: single nucleotide variant.
Coding change: c.751G>T on transcript NM_130837.3 (MANE Select); coding-DNA position 751, G replaced by T.
Protein change: p.Gly251Cys; replaces glycine 251 with cysteine.
Molecular consequence: missense variant. On other transcripts: intron variant (5).
Genome position (GRCh38, 1-based): chr3:193,626,164, G>T. VCF-style: chr3-193626164-G-T. GRCh37 (hg19) VCF-style: chr3-193343953-G-T.
Other names: c.571-5448G>T (NM_130832.3); c.517-5448G>T (NM_130831.3); c.217G>T, p.Gly73Cys (NM_001354663.2); c.589G>T, p.Gly197Cys (NM_130833.3); c.643G>T, p.Gly215Cys (NM_130835.3); c.697G>T, p.Gly233Cys (NM_130836.3); c.253-5448G>T (NM_001354664.2); c.679-5448G>T (NM_130834.3); and 1 more; short protein forms G197C, G215C, G233C, G251C, G73C.
Identifiers: ClinVar variation 4530866 (VCV004530866.2).